The following is an entry in ClinVar:

NM_001379286.1(ZNF423):c.2620C>G (p.Pro874Ala)

Gene: ZNF423 (zinc finger protein 423; minus strand). Cytogenetic location: 16q12.1.
Variant type: single nucleotide variant.
Coding change: c.2620C>G on transcript NM_001379286.1 (MANE Select); coding-DNA position 2620, C replaced by G.
Protein change: p.Pro874Ala; replaces proline 874 with alanine.
Molecular consequence: missense variant.
Genome position (GRCh38, 1-based): chr16:49,636,556, G>C on the plus strand (C>G on the coding strand, the complement: ZNF423 is on the minus strand). VCF-style: chr16-49636556-G-C. GRCh37 (hg19) VCF-style: chr16-49670467-G-C.
Other names: c.2416C>G, p.Pro806Ala (NM_001271620.2); c.2245C>G, p.Pro749Ala (NM_001330533.2); c.2596C>G, p.Pro866Ala (NM_015069.5); c.2596C>G (NM_015069.2); short protein forms P749A, P806A, P866A, P874A.
Identifiers: ClinVar variation 1424836 (VCV001424836.6), dbSNP rs199903698, ClinGen allele CA8046466.
Genomic context (GRCh38, chr16:49,636,556, plus strand): 5'-ACATGGGCTCCGACGCGTCCACGTCATCCTCGCTGGCCTCATGGCTGTTAGGTGCCTCAG[G>C]GTTCTTAAGCAGCATGCCCTGCAGGTCAGCAGGCTCAGCTTTCTTGGTGGCCATTGGGGG-3'
Protein context (NP_001366215.1, residues 864-884): ADLQGMLLKN[Pro874Ala]EAPNSHEASE

ClinVar aggregate classification (germline): Uncertain significance. Review status: criteria provided, multiple submitters, no conflicts (2 of 4 stars). 2 submissions from 2 submitters: Uncertain significance (2). Last evaluated 2025-12-15.

Conditions:
Nephronophthisis 14 (NPHP14). Identifiers: Orphanet 2318, MedGen C3539071, MONDO:0013916, OMIM 614844.

Allele frequency attached by ClinVar (database versions not stated): gnomAD 0.00003 and 0.00004; TOPMed 0.00004; gnomAD exomes 0.00005 and 0.00009; ExAC 0.00007; ESP Exome Variant Server 0.00008.
gnomAD v4.1: 134 of 1,613,826 alleles (0.0083%); highest among the groups gnomAD compares: Non-Finnish European, 0.011%; no homozygotes.

Submissions (2):

Ambry Genetics
Classification: Uncertain significance. Last evaluated: 2025-12-15. Review status: criteria provided, single submitter. Criteria: Ambry Variant Classification Scheme 2023. Collection method: clinical testing. Allele origin: germline.

Labcorp Genetics (formerly Invitae), Labcorp
Classification: Uncertain significance for Nephronophthisis 14. Last evaluated: 2022-08-06. Review status: criteria provided, single submitter. Criteria: Invitae Variant Classification Sherloc (09022015). Collection method: clinical testing. Allele origin: germline.
Comment: This sequence change replaces proline, which is neutral and non-polar, with alanine, which is neutral and non-polar, at codon 866 of the ZNF423 protein (p.Pro866Ala). This variant is present in population databases (rs199903698, gnomAD 0.01%). This variant has not been reported in the literature in individuals affected with ZNF423-related conditions. ClinVar contains an entry for this variant (Variation ID: 1424836). Algorithms developed to predict the effect of missense changes on protein structure and function (SIFT, PolyPhen-2, Align-GVGD) all suggest that this variant is likely to be tolerated. In summary, the available evidence is currently insufficient to determine the role of this variant in disease. Therefore, it has been classified as a Variant of Uncertain Significance.